The following is an entry in ClinVar:

NM_198578.4(LRRK2):c.2363G>A (p.Ser788Asn)

Gene: LRRK2 (leucine rich repeat kinase 2; plus strand). Cytogenetic location: 12q12.
Variant type: single nucleotide variant.
Coding change: c.2363G>A on transcript NM_198578.4 (MANE Select); coding-DNA position 2363, G replaced by A.
Protein change: p.Ser788Asn; replaces serine 788 with asparagine.
Molecular consequence: missense variant.
Genome position (GRCh38, 1-based): chr12:40,283,996, G>A. VCF-style: chr12-40283996-G-A. GRCh37 (hg19) VCF-style: chr12-40677798-G-A.
Other names: short protein forms S788N.
Identifiers: ClinVar variation 3540731 (VCV003540731.1).
Genomic context (GRCh38, chr12:40,283,996, plus strand): 5'-AACAAGATGTACGAAAAGCGTTGACGATAAGCATTGGGAAAGGTGACAGCCAGATCATCA[G>A]CTTGCTCTTAAGGAGGCTGGCCCTGGATGTGGCCAACAATAGCATTTGCCTTGGAGGATT-3'
Protein context (NP_940980.4, residues 778-798): SIGKGDSQII[Ser788Asn]LLLRRLALDV

ClinVar aggregate classification (germline): Uncertain significance (1 of 4 stars; one submission).

Conditions:
Inborn genetic diseases. Identifiers: MedGen C0950123, MeSH D030342.

gnomAD v4.1: 1 of 1,614,048 alleles (0.000062%); highest among the groups gnomAD compares: Non-Finnish European, 0.000085%; no homozygotes.

Submission:

Ambry Genetics
Classification: Uncertain significance for Inborn genetic diseases. Last evaluated: 2024-10-13. Review status: criteria provided, single submitter. Criteria: Ambry Variant Classification Scheme 2023. Collection method: clinical testing. Allele origin: germline.
Comment: The p.S788N variant (also known as c.2363G>A), located in coding exon 19 of the LRRK2 gene, results from a G to A substitution at nucleotide position 2363. The serine at codon 788 is replaced by asparagine, an amino acid with highly similar properties. This amino acid position is conserved. In addition, this alteration is predicted to be tolerated by in silico analysis. Based on the available evidence, the clinical significance of this variant remains unclear.